The following is an entry in ClinVar:

NM_000132.4(F8):c.6812T>C (p.Leu2271Pro)

Gene: F8 (coagulation factor VIII; minus strand). Cytogenetic location: Xq28.
Variant type: single nucleotide variant.
Coding change: c.6812T>C on transcript NM_000132.4 (MANE Select); coding-DNA position 6812, T replaced by C.
Protein change: p.Leu2271Pro; replaces leucine 2271 with proline.
Molecular consequence: missense variant.
Genome position (GRCh38, 1-based): chrX:154,860,520, A>G on the plus strand (T>C on the coding strand, the complement: F8 is on the minus strand). VCF-style: chrX-154860520-A-G. GRCh37 (hg19) VCF-style: chrX-154088795-A-G.
Other names: c.407T>C, p.Leu136Pro (NM_019863.3); short protein forms L136P, L2271P.
Identifiers: ClinVar variation 973802 (VCV000973802.2), dbSNP rs2072682503, ClinGen allele CA414903929.

ClinVar aggregate classification (germline): Likely pathogenic (0 of 4 stars; one submission).

Conditions:
Hereditary factor VIII deficiency disease (HEMA). Also called: AUTOSOMAL HEMOPHILIA A; Hemophilia A, congenital; HEM A; Factor 8 deficiency, congenital; HEMOPHILIA, CLASSIC; Hemophilia A. Identifiers: Orphanet 98878, MedGen C0019069, MONDO:0010602, OMIM 306700.

Submission:

Angelo Bianchi Bonomi Hemophilia and Thrombosis Center, Fondazione IRCCS Ca Granda Ospedale Maggiore Policlinico
Classification: Likely pathogenic for Hereditary factor VIII deficiency disease. Last evaluated: 2019-06-01. Review status: no assertion criteria provided. Collection method: clinical testing. Allele origin: germline. Affected: yes. Observed: 1 variant allele.
Comment: analyzed by Polyphen and Sift